The following is an entry in ClinVar:

ClinVar aggregate classification (germline): Likely benign (1 of 4 stars; one submission).

Allele frequency attached by ClinVar (database versions not stated): 1000 Genomes Project 30x 0.00016; 1000 Genomes Project 0.00020.

Submission:

CeGaT Center for Human Genetics Tuebingen
Classification: Likely benign. Last evaluated: 2022-05-01. Review status: criteria provided, single submitter. Criteria: CeGaT Center For Human Genetics Tuebingen Variant Classification Criteria Version 2. Collection method: clinical testing. Allele origin: germline. Affected: yes. Observed: 1 variant allele.
Comment: AP4B1: BP4, BP7

NM_001253852.3(AP4B1):c.1557T>C (p.Tyr519=)

Genes: AP4B1 (adaptor related protein complex 4 subunit beta 1; minus strand), AP4B1-AS1 (AP4B1 antisense RNA 1; plus strand). Cytogenetic location: 1p13.2.
Variant type: single nucleotide variant.
Coding change: c.1557T>C on transcript NM_001253852.3 (MANE Select); coding-DNA position 1557, T replaced by C.
Protein change: p.Tyr519=; no amino-acid change (tyrosine 519 retained).
Molecular consequence: synonymous variant.
Genome position (GRCh38, 1-based): chr1:113,895,992, A>G on the plus strand (T>C on the coding strand, the complement: AP4B1 is on the minus strand). VCF-style: chr1-113895992-A-G. GRCh37 (hg19) VCF-style: chr1-114438614-A-G.
Other names: c.1260T>C, p.Tyr420= (NM_001253853.3); c.1053T>C, p.Tyr351= (NM_001308312.2); c.1557T>C, p.Tyr519= (NM_006594.5).
Identifiers: ClinVar variation 2639004 (VCV002639004.24), dbSNP rs529495094, ClinGen allele CA28995187.